The following is an entry in ClinVar:

ClinVar aggregate classification (germline): Pathogenic. Review status: criteria provided, multiple submitters, no conflicts (2 of 4 stars). 2 submissions from 2 submitters: Pathogenic (2). Last evaluated 2011-08-12.

Submissions (2):

ISCA site 17
Classification: Pathogenic. Last evaluated: 2011-08-12. Review status: criteria provided, single submitter. Criteria: Kaminsky et al. (Genet Med. 2011). Collection method: clinical testing. Allele origin: unknown. Affected: yes. Observed: 1 variant allele.
Comment: Copy number variation identified through the course of routine clinical cytogenomic testing in postnatal populations. Clinical assertions have been curated as described in Kaminsky et al. 2011.

ISCA site 4
Classification: Pathogenic. Last evaluated: 2011-08-12. Review status: criteria provided, single submitter. Criteria: Kaminsky et al. (Genet Med. 2011). Collection method: clinical testing. Allele origin: unknown. Affected: yes. Observed: 1 variant allele.
Comment: the same text as in the submission from ISCA site 17 above.

GRCh38/hg38 22q11.21(chr22:18178957-21086225)x1

Genes: AIFM3 (AIF family member 3; plus strand), ARVCF (ARVCF delta catenin family member; minus strand), C22orf39 (chromosome 22 open reading frame 39; minus strand), CCDC188 (coiled-coil domain containing 188; minus strand), CDC45 (cell division cycle 45; plus strand) and 186 more. Cytogenetic location: 22q11.21.
Variant type: copy number loss.
Change: copy number 1 (one copy instead of two) of chr22:18,178,957-21,086,225 (2.91 Mb, GRCh38 coordinates, 1-based), cytogenetic band 22q11.21.
Identifiers: ClinVar variation 160843 (VCV000160843.1).